The following is an entry in ClinVar:

NM_005883.3(APC2):c.4456C>G (p.Arg1486Gly)

Gene: APC2 (APC regulator of Wnt signaling pathway 2; plus strand). Cytogenetic location: 19p13.3.
Variant type: single nucleotide variant.
Coding change: c.4456C>G on transcript NM_005883.3 (MANE Select); coding-DNA position 4456, C replaced by G.
Protein change: p.Arg1486Gly; replaces arginine 1486 with glycine.
Molecular consequence: missense variant.
Genome position (GRCh38, 1-based): chr19:1,467,757, C>G. VCF-style: chr19-1467757-C-G. GRCh37 (hg19) VCF-style: chr19-1467756-C-G.
Other names: c.4453C>G, p.Arg1485Gly (NM_001351273.1); short protein forms R1485G, R1486G.
Identifiers: ClinVar variation 2045056 (VCV002045056.7), dbSNP rs552602290, ClinGen allele CA9045814.

ClinVar aggregate classification (germline): Conflicting classifications of pathogenicity. Review status: criteria provided, conflicting classifications (1 of 4 stars). 3 submissions from 3 submitters: Uncertain significance (1); Likely benign (1). 1 of the submissions does not count toward it. Last evaluated 2025-07-23.

Conditions:
APC2-related disorder. Also called: APC2-Related Disorders; APC2-related condition.
Inborn genetic diseases. Identifiers: MedGen C0950123, MeSH D030342.

Allele frequency attached by ClinVar (database versions not stated): 1000 Genomes Project 30x 0.00016; 1000 Genomes Project 0.00020.
gnomAD v4.1: 275 of 1,431,600 alleles (0.019%); highest among the groups gnomAD compares: Middle Eastern, 0.023%; no homozygotes.

Submissions (3):

Labcorp Genetics (formerly Invitae), Labcorp
Classification: Likely benign. Last evaluated: 2025-07-23. Review status: criteria provided, single submitter. Criteria: Invitae Variant Classification Sherloc (09022015). Collection method: clinical testing. Allele origin: germline.

Ambry Genetics
Classification: Uncertain significance for Inborn genetic diseases. Last evaluated: 2021-02-09. Review status: criteria provided, single submitter. Criteria: Ambry Variant Classification Scheme 2023. Collection method: clinical testing. Allele origin: germline.
Comment: The c.4456C>G (p.R1486G) alteration is located in exon 15 (coding exon 14) of the APC2 gene. This alteration results from a C to G substitution at nucleotide position 4456, causing the arginine (R) at amino acid position 1486 to be replaced by a glycine (G). The p.R1486G alteration is predicted to be tolerated by in silico analysis. Based on insufficient or conflicting evidence, the clinical significance of this alteration remains unclear.

PreventionGenetics, part of Exact Sciences
Classification: Likely benign for APC2-related condition. Last evaluated: 2023-05-30. Review status: no assertion criteria provided. Collection method: clinical testing. Allele origin: germline. Not counted in ClinVar's aggregate classification.
Comment: This variant is classified as likely benign based on ACMG/AMP sequence variant interpretation guidelines (Richards et al. 2015 PMID: 25741868, with internal and published modifications).